The following is an entry in ClinVar:

ClinVar aggregate classification (germline): Uncertain significance (1 of 4 stars; one submission).

Conditions:
Inborn genetic diseases. Identifiers: MedGen C0950123, MeSH D030342.

Allele frequency attached by ClinVar (database versions not stated): TOPMed below 0.00001.
gnomAD v4.1: 1 of 1,614,058 alleles (0.000062%); highest among the groups gnomAD compares: Non-Finnish European, 0.000085%; no homozygotes.

Submission:

Ambry Genetics
Classification: Uncertain significance for Inborn genetic diseases. Last evaluated: 2023-09-22. Review status: criteria provided, single submitter. Criteria: Ambry Variant Classification Scheme 2023. Collection method: clinical testing. Allele origin: germline.
Comment: The p.S2221C variant (also known as c.6662C>G), located in coding exon 45 of the LRRK2 gene, results from a C to G substitution at nucleotide position 6662. The serine at codon 2221 is replaced by cysteine, an amino acid with dissimilar properties. This amino acid position is conserved. In addition, the in silico prediction for this alteration is inconclusive. Since supporting evidence is limited at this time, the clinical significance of this alteration remains unclear.

NM_198578.4(LRRK2):c.6662C>G (p.Ser2221Cys)

Gene: LRRK2 (leucine rich repeat kinase 2; plus strand). Cytogenetic location: 12q12.
Variant type: single nucleotide variant.
Coding change: c.6662C>G on transcript NM_198578.4 (MANE Select); coding-DNA position 6662, C replaced by G.
Protein change: p.Ser2221Cys; replaces serine 2221 with cysteine.
Molecular consequence: missense variant.
Genome position (GRCh38, 1-based): chr12:40,354,384, C>G. VCF-style: chr12-40354384-C-G. GRCh37 (hg19) VCF-style: chr12-40748186-C-G.
Other names: short protein forms S2221C.
Identifiers: ClinVar variation 3229746 (VCV003229746.1), dbSNP rs1242487085, ClinGen allele CA384409106.